The following is an entry in ClinVar:

ClinVar aggregate classification (germline): Uncertain significance (1 of 4 stars; one submission).

Conditions:
Primary ciliary dyskinesia. Also called: Ciliary dyskinesia. Identifiers: Orphanet 244, MedGen C0008780, MONDO:0016575, HP:0012265.

Allele frequency attached by ClinVar (database versions not stated): gnomAD exomes below 0.00001; gnomAD 0.00001.
gnomAD v4.1: 2 of 1,607,486 alleles (0.00012%); highest among the groups gnomAD compares: Admixed American, 0.0017%; no homozygotes.

Submission:

Labcorp Genetics (formerly Invitae), Labcorp
Classification: Uncertain significance for Primary ciliary dyskinesia. Last evaluated: 2018-04-25. Review status: criteria provided, single submitter. Criteria: Invitae Variant Classification Sherloc (09022015). Collection method: clinical testing. Allele origin: germline.
Comment: In summary, the available evidence is currently insufficient to determine the role of this variant in disease. Therefore, it has been classified as a Variant of Uncertain Significance. Algorithms developed to predict the effect of missense changes on protein structure and function (SIFT, PolyPhen-2, Align-GVGD) all suggest that this variant is likely to be disruptive, but these predictions have not been confirmed by published functional studies and their clinical significance is uncertain. This variant has not been reported in the literature in individuals with DNAH11-related disease. This variant is not present in population databases (ExAC no frequency). This sequence change replaces isoleucine with threonine at codon 2217 of the DNAH11 protein (p.Ile2217Thr). The isoleucine residue is highly conserved and there is a moderate physicochemical difference between isoleucine and threonine.

NM_001277115.2(DNAH11):c.6650T>C (p.Ile2217Thr)

Gene: DNAH11 (dynein axonemal heavy chain 11; plus strand). Cytogenetic location: 7p15.3.
Variant type: single nucleotide variant.
Coding change: c.6650T>C on transcript NM_001277115.2 (MANE Select); coding-DNA position 6650, T replaced by C.
Protein change: p.Ile2217Thr; replaces isoleucine 2217 with threonine.
Molecular consequence: missense variant.
Genome position (GRCh38, 1-based): chr7:21,707,802, T>C. VCF-style: chr7-21707802-T-C. GRCh37 (hg19) VCF-style: chr7-21747420-T-C.
Other names: short protein forms I2217T.
Identifiers: ClinVar variation 581703 (VCV000581703.9), dbSNP rs1373204477, ClinGen allele CA366938960.